The following is an entry in ClinVar:

NM_000051.4(ATM):c.1967C>T (p.Thr656Ile)

Gene: ATM (ATM serine/threonine kinase; plus strand). Cytogenetic location: 11q22.3.
Variant type: single nucleotide variant.
Coding change: c.1967C>T on transcript NM_000051.4 (MANE Select); coding-DNA position 1967, C replaced by T.
Protein change: p.Thr656Ile; replaces threonine 656 with isoleucine.
Molecular consequence: missense variant.
Genome position (GRCh38, 1-based): chr11:108,253,882, C>T. VCF-style: chr11-108253882-C-T. GRCh37 (hg19) VCF-style: chr11-108124609-C-T.
Other names: c.1967C>T, p.Thr656Ile (NM_001351834.2); short protein forms T656I.
Identifiers: ClinVar variation 658920 (VCV000658920.14), dbSNP rs754800755, ClinGen allele CA6264913.

ClinVar aggregate classification (germline): Uncertain significance. Review status: criteria provided, multiple submitters, no conflicts (2 of 4 stars). 2 submissions from 2 submitters: Uncertain significance (2). Last evaluated 2025-12-15.

Conditions:
Hereditary cancer-predisposing syndrome. Also called: Neoplastic Syndromes, Hereditary; Hereditary neoplastic syndrome; Tumor predisposition; Hereditary Cancer Syndrome. Identifiers: Orphanet 140162, MedGen C0027672, MeSH D009386, MONDO:0015356.
Ataxia-telangiectasia syndrome (AT). Also called: Ataxia telangiectasia (A-T); Cerebello-oculocutaneous telangiectasia; Immunodeficiency with ataxia telangiectasia; Ataxia-telangiectasia, complementation group D; ATAXIA-TELANGIECTASIA, COMPLEMENTATION GROUP A; ATAXIA-TELANGIECTASIA, FRESNO VARIANT. Identifiers: Orphanet 100, MedGen C0004135, MONDO:0008840, OMIM 208900.

Allele frequency attached by ClinVar (database versions not stated): TOPMed below 0.00001; ExAC 0.00001; gnomAD exomes 0.00001.

Submissions (2):

Ambry Genetics
Classification: Uncertain significance for Hereditary cancer-predisposing syndrome. Last evaluated: 2025-12-15. Review status: criteria provided, single submitter. Criteria: Ambry Variant Classification Scheme 2023. Collection method: clinical testing. Allele origin: germline.
Comment: The p.T656I variant (also known as c.1967C>T), located in coding exon 12 of the ATM gene, results from a C to T substitution at nucleotide position 1967. The threonine at codon 656 is replaced by isoleucine, an amino acid with similar properties. This amino acid position is highly conserved in available vertebrate species. In addition, this alteration is predicted to be tolerated by in silico analysis. Since supporting evidence is limited at this time, the clinical significance of this alteration remains unclear.

Labcorp Genetics (formerly Invitae), Labcorp
Classification: Uncertain significance for Ataxia-telangiectasia syndrome. Last evaluated: 2023-02-09. Review status: criteria provided, single submitter. Criteria: Invitae Variant Classification Sherloc (09022015). Collection method: clinical testing. Allele origin: germline.
Comment: ClinVar contains an entry for this variant (Variation ID: 658920). In summary, the available evidence is currently insufficient to determine the role of this variant in disease. Therefore, it has been classified as a Variant of Uncertain Significance. Algorithms developed to predict the effect of missense changes on protein structure and function are either unavailable or do not agree on the potential impact of this missense change (SIFT: "Deleterious"; PolyPhen-2: "Benign"; Align-GVGD: "Class C15"). This variant has not been reported in the literature in individuals affected with ATM-related conditions. This variant is present in population databases (rs754800755, gnomAD 0.006%). This sequence change replaces threonine, which is neutral and polar, with isoleucine, which is neutral and non-polar, at codon 656 of the ATM protein (p.Thr656Ile).